The following is an entry in ClinVar:

ClinVar aggregate classification (germline): Uncertain significance. Review status: criteria provided, multiple submitters, no conflicts (2 of 4 stars). 2 submissions from 2 submitters: Uncertain significance (2). Last evaluated 2025-03-18.

Conditions:
Hereditary cancer-predisposing syndrome. Also called: Hereditary neoplastic syndrome; Tumor predisposition; Hereditary Cancer Syndrome; Neoplastic Syndromes, Hereditary. Identifiers: Orphanet 140162, MedGen C0027672, MeSH D009386, MONDO:0015356.
Ataxia-telangiectasia syndrome (AT). Also called: Cerebello-oculocutaneous telangiectasia; Immunodeficiency with ataxia telangiectasia; Ataxia telangiectasia (A-T); Ataxia-telangiectasia, complementation group E; LOUIS-BAR SYNDROME; Ataxia-telangiectasia. Identifiers: Orphanet 100, MedGen C0004135, MONDO:0008840, OMIM 208900.

Submissions (2):

Ambry Genetics
Classification: Uncertain significance for Hereditary cancer-predisposing syndrome. Last evaluated: 2025-03-18. Review status: criteria provided, single submitter. Criteria: Ambry Variant Classification Scheme 2023. Collection method: clinical testing. Allele origin: germline.
Comment: The p.D44Y variant (also known as c.130G>T), located in coding exon 2 of the ATM gene, results from a G to T substitution at nucleotide position 130. The aspartic acid at codon 44 is replaced by tyrosine, an amino acid with highly dissimilar properties. This amino acid position is conserved. In addition, the in silico prediction for this alteration is inconclusive. Based on the available evidence, the clinical significance of this variant remains unclear.

Labcorp Genetics (formerly Invitae), Labcorp
Classification: Uncertain significance for Ataxia-telangiectasia syndrome. Last evaluated: 2018-05-07. Review status: criteria provided, single submitter. Criteria: Invitae Variant Classification Sherloc (09022015). Collection method: clinical testing. Allele origin: germline.
Comment: In summary, the available evidence is currently insufficient to determine the role of this variant in disease. Therefore, it has been classified as a Variant of Uncertain Significance. Algorithms developed to predict the effect of missense changes on protein structure and function (SIFT, PolyPhen-2, Align-GVGD) all suggest that this variant is likely to be disruptive, but these predictions have not been confirmed by published functional studies and their clinical significance is uncertain. This variant has not been reported in the literature in individuals with ATM-related disease. This variant is not present in population databases (ExAC no frequency). This sequence change replaces aspartic acid with tyrosine at codon 44 of the ATM protein (p.Asp44Tyr). The aspartic acid residue is highly conserved and there is a large physicochemical difference between aspartic acid and tyrosine.

NM_000051.4(ATM):c.130G>T (p.Asp44Tyr)

Gene: ATM (ATM serine/threonine kinase; plus strand). Cytogenetic location: 11q22.3.
Variant type: single nucleotide variant.
Coding change: c.130G>T on transcript NM_000051.4 (MANE Select); coding-DNA position 130, G replaced by T.
Protein change: p.Asp44Tyr; replaces aspartic acid 44 with tyrosine.
Molecular consequence: missense variant.
Genome position (GRCh38, 1-based): chr11:108,227,833, G>T. VCF-style: chr11-108227833-G-T. GRCh37 (hg19) VCF-style: chr11-108098560-G-T.
Other names: c.130G>T, p.Asp44Tyr (NM_001351834.2, NM_001351835.2, NM_001351836.2); short protein forms D44Y.
Identifiers: ClinVar variation 577648 (VCV000577648.9), dbSNP rs1320733816, ClinGen allele CA382520006.